The following is an entry in ClinVar:

ClinVar aggregate classification (germline): Pathogenic (1 of 4 stars; one submission).

Conditions:
X-linked agammaglobulinemia with growth hormone deficiency (IGHD3). Also called: FLEISHER SYNDROME; ISOLATED GROWTH HORMONE DEFICIENCY, TYPE III, WITH AGAMMAGLOBULINEMIA; HYPOGAMMAGLOBULINEMIA AND ISOLATED GROWTH HORMONE DEFICIENCY, X-LINKED; IGHD III; Isolated growth hormone deficiency type 3; Growth hormone deficiency with hypogammaglobulinemia. Identifiers: Orphanet 231692, Orphanet 631, MedGen C0472813, MONDO:0010615, OMIM 307200.

Submission:

Labcorp Genetics (formerly Invitae), Labcorp
Classification: Pathogenic for X-linked agammaglobulinemia with growth hormone deficiency. Last evaluated: 2021-12-15. Review status: criteria provided, single submitter. Criteria: Invitae Variant Classification Sherloc (09022015). Collection method: clinical testing. Allele origin: germline.
Comment: This sequence change creates a premature translational stop signal (p.Gly584Valfs*12) in the BTK gene. It is expected to result in an absent or disrupted protein product. Loss-of-function variants in BTK are known to be pathogenic (PMID: 15661032, 16862044, 19419768). This variant is not present in population databases (gnomAD no frequency). This variant has not been reported in the literature in individuals affected with BTK-related conditions. Algorithms developed to predict the effect of sequence changes on RNA splicing suggest that this variant may disrupt the consensus splice site. For these reasons, this variant has been classified as Pathogenic.

Literature cited by the submitters: PubMed 15661032; PubMed 16862044; PubMed 19419768.

NC_000023.11:g.101353342_101353352del

Gene: BTK (Bruton tyrosine kinase; minus strand). Cytogenetic location: Xq22.1.
Variant type: Deletion.
Genome position: GRCh38 VCF-style: chrX-101353340-ACATCAAAACCC-A. GRCh37 (hg19) VCF-style: chrX-100608328-ACATCAAAACCC-A.
Identifiers: ClinVar variation 2043682 (VCV002043682.4), dbSNP rs2520528778, ClinGen allele CA2580100133.